The following is an entry in ClinVar:

ClinVar aggregate classification (germline): Uncertain significance (1 of 4 stars; one submission).

Conditions:
T-cell immunodeficiency, congenital alopecia, and nail dystrophy. Also called: Congenital alopecia and nail dystrophy associated with severe functional T-cell immunodeficiency; Pignata Guarino syndrome. Identifiers: Orphanet 169095, MedGen C1866426, MONDO:0011132, OMIM 601705.

Allele frequency attached by ClinVar (database versions not stated): gnomAD exomes below 0.00001; gnomAD 0.00001; TOPMed 0.00001.
gnomAD v4.1: 1 of 1,613,904 alleles (0.000062%); highest among the groups gnomAD compares: Non-Finnish European, 0.000085%; no homozygotes.

Submission:

Labcorp Genetics (formerly Invitae), Labcorp
Classification: Uncertain significance for T-cell immunodeficiency, congenital alopecia, and nail dystrophy. Last evaluated: 2024-10-16. Review status: criteria provided, single submitter. Criteria: Invitae Variant Classification Sherloc (09022015). Collection method: clinical testing. Allele origin: germline.
Comment: This sequence change replaces asparagine, which is neutral and polar, with aspartic acid, which is acidic and polar, at codon 437 of the FOXN1 protein (p.Asn437Asp). This variant is present in population databases (no rsID available, gnomAD 0.0009%). This variant has not been reported in the literature in individuals affected with FOXN1-related conditions. ClinVar contains an entry for this variant (Variation ID: 1014692). Invitae Evidence Modeling of protein sequence and biophysical properties (such as structural, functional, and spatial information, amino acid conservation, physicochemical variation, residue mobility, and thermodynamic stability) indicates that this missense variant is not expected to disrupt FOXN1 protein function with a negative predictive value of 80%. In summary, the available evidence is currently insufficient to determine the role of this variant in disease. Therefore, it has been classified as a Variant of Uncertain Significance.

NM_001369369.1(FOXN1):c.1309A>G (p.Asn437Asp)

Gene: FOXN1 (forkhead box N1; plus strand). Cytogenetic location: 17q11.2.
Variant type: single nucleotide variant.
Coding change: c.1309A>G on transcript NM_001369369.1 (MANE Select); coding-DNA position 1309, A replaced by G.
Protein change: p.Asn437Asp; replaces asparagine 437 with aspartic acid.
Molecular consequence: missense variant.
Genome position (GRCh38, 1-based): chr17:28,534,880, A>G. VCF-style: chr17-28534880-A-G. GRCh37 (hg19) VCF-style: chr17-26861898-A-G.
Other names: c.1309A>G, p.Asn437Asp (NM_003593.3); short protein forms N437D.
Identifiers: ClinVar variation 1014692 (VCV001014692.5), dbSNP rs1003343277, ClinGen allele CA289120235.